The following is an entry in ClinVar:

ClinVar aggregate classification (germline): Conflicting classifications of pathogenicity. Review status: criteria provided, conflicting classifications (1 of 4 stars). 3 submissions from 3 submitters: Uncertain significance (2); Likely benign (1). Last evaluated 2025-08-10.

Conditions:
Ullrich congenital muscular dystrophy 2 (UCMD2). Identifiers: Orphanet 75840, MedGen C4225314, MONDO:0014654, OMIM 616470.
Bethlem myopathy 2 (BTHLM2). Identifiers: Orphanet 536516, Orphanet 610, MedGen C4225313, MONDO:0034022, OMIM 616471.
Inborn genetic diseases. Identifiers: MedGen C0950123, MeSH D030342.

Allele frequency attached by ClinVar (database versions not stated): gnomAD 0.00001; gnomAD exomes 0.00001 and 0.00004; ExAC 0.00002; TOPMed 0.00001.
gnomAD v4.1: 16 of 1,603,898 alleles (0.001%); highest among the groups gnomAD compares: Admixed American, 0.0085%; no homozygotes.

Submissions (3):

Ambry Genetics
Classification: Uncertain significance for Inborn genetic diseases. Last evaluated: 2025-08-10. Review status: criteria provided, single submitter. Criteria: Ambry Variant Classification Scheme 2023. Collection method: clinical testing. Allele origin: germline.

Labcorp Genetics (formerly Invitae), Labcorp
Classification: Likely benign for Bethlem myopathy 2; Ullrich congenital muscular dystrophy 2. Last evaluated: 2025-06-09. Review status: criteria provided, single submitter. Criteria: Invitae Variant Classification Sherloc (09022015). Collection method: clinical testing. Allele origin: germline.

GeneDx
Classification: Uncertain significance. Last evaluated: 2024-05-08. Review status: criteria provided, single submitter. Criteria: GeneDx Variant Classification Process June 2021. Collection method: clinical testing. Allele origin: germline. Affected: yes.
Comment: In silico analysis indicates that this missense variant does not alter protein structure/function; Has not been previously published as pathogenic or benign to our knowledge

NM_004370.6(COL12A1):c.2180G>A (p.Arg727Gln)

Gene: COL12A1 (collagen type XII alpha 1 chain; minus strand). Cytogenetic location: 6q13.
Variant type: single nucleotide variant.
Coding change: c.2180G>A on transcript NM_004370.6 (MANE Select); coding-DNA position 2180, G replaced by A.
Protein change: p.Arg727Gln; replaces arginine 727 with glutamine.
Molecular consequence: missense variant. On other transcripts: intron variant (1).
Genome position (GRCh38, 1-based): chr6:75,177,920, C>T on the plus strand (G>A on the coding strand, the complement: COL12A1 is on the minus strand). VCF-style: chr6-75177920-C-T. GRCh37 (hg19) VCF-style: chr6-75887636-C-T.
Other names: c.73+24800G>A (NM_080645.3); short protein forms R727Q.
Identifiers: ClinVar variation 578265 (VCV000578265.9), dbSNP rs775023310, ClinGen allele CA3894034.